The following is an entry in ClinVar:

NM_014141.6(CNTNAP2):c.209-3C>T

Gene: CNTNAP2 (contactin associated protein 2; plus strand). Cytogenetic location: 7q35.
Variant type: single nucleotide variant.
Coding change: c.209-3C>T on transcript NM_014141.6 (MANE Select); 3 bases into the intron before coding-DNA position 209, C replaced by T.
Molecular consequence: intron variant.
Genome position (GRCh38, 1-based): chr7:146,839,708, C>T. VCF-style: chr7-146839708-C-T. GRCh37 (hg19) VCF-style: chr7-146536800-C-T.
Identifiers: ClinVar variation 645681 (VCV000645681.11), dbSNP rs1585116277, ClinGen allele CA915945548.

ClinVar aggregate classification (germline): Uncertain significance (1 of 4 stars; one submission).

Conditions:
Cortical dysplasia-focal epilepsy syndrome (PTHSL1). Also called: Pitt-Hopkins-like syndrome 1. Identifiers: Orphanet 163681, Orphanet 221150, MedGen C2750246, MONDO:0012400, OMIM 610042.

Submission:

Labcorp Genetics (formerly Invitae), Labcorp
Classification: Uncertain significance for Cortical dysplasia-focal epilepsy syndrome. Last evaluated: 2019-08-27. Review status: criteria provided, single submitter. Criteria: Invitae Variant Classification Sherloc (09022015). Collection method: clinical testing. Allele origin: germline.
Comment: In summary, the available evidence is currently insufficient to determine the role of this variant in disease. Therefore, it has been classified as a Variant of Uncertain Significance. Nucleotide substitutions within the consensus splice site are a relatively common cause of aberrant splicing (PMID: 17576681, 9536098). Algorithms developed to predict the effect of sequence changes on RNA splicing suggest that this variant is not likely to affect RNA splicing, but this prediction has not been confirmed by published transcriptional studies. This variant has not been reported in the literature in individuals with CNTNAP2-related disease. This variant is not present in population databases (ExAC no frequency). This sequence change falls in intron 2 of the CNTNAP2 gene. It does not directly change the encoded amino acid sequence of the CNTNAP2 protein, but it affects a nucleotide within the consensus splice site of the intron.

Literature cited by the submitters: PubMed 17576681; PubMed 9536098.